The following is an entry in ClinVar:

ClinVar aggregate classification (germline): Uncertain significance. Review status: criteria provided, multiple submitters, no conflicts (2 of 4 stars). 2 submissions from 2 submitters: Uncertain significance (2). Last evaluated 2025-05-13.

Conditions:
Familial melanoma. Also called: Hereditary melanoma; Hereditary cutaneous melanoma. Identifiers: Orphanet 618, MedGen C1512419, MONDO:0018961.
Hereditary cancer-predisposing syndrome. Also called: Tumor predisposition; Hereditary neoplastic syndrome; Neoplastic Syndromes, Hereditary; Hereditary Cancer Syndrome. Identifiers: Orphanet 140162, MedGen C0027672, MeSH D009386, MONDO:0015356.

Submissions (2):

Labcorp Genetics (formerly Invitae), Labcorp
Classification: Uncertain significance for Familial melanoma. Last evaluated: 2025-05-13. Review status: criteria provided, single submitter. Criteria: Invitae Variant Classification Sherloc (09022015). Collection method: clinical testing. Allele origin: germline.
Comment: This sequence change replaces aspartic acid, which is acidic and polar, with histidine, which is basic and polar, at codon 241 of the CDK4 protein (p.Asp241His). This variant is not present in population databases (gnomAD no frequency). This variant has not been reported in the literature in individuals affected with CDK4-related conditions. ClinVar contains an entry for this variant (Variation ID: 845930). Invitae Evidence Modeling of protein sequence and biophysical properties (such as structural, functional, and spatial information, amino acid conservation, physicochemical variation, residue mobility, and thermodynamic stability) indicates that this missense variant is not expected to disrupt CDK4 protein function with a negative predictive value of 95%. In summary, the available evidence is currently insufficient to determine the role of this variant in disease. Therefore, it has been classified as a Variant of Uncertain Significance.

Ambry Genetics
Classification: Uncertain significance for Hereditary cancer-predisposing syndrome. Last evaluated: 2023-06-05. Review status: criteria provided, single submitter. Criteria: Ambry Variant Classification Scheme 2023. Collection method: clinical testing. Allele origin: germline.
Comment: The p.D241H variant (also known as c.721G>C), located in coding exon 6 of the CDK4 gene, results from a G to C substitution at nucleotide position 721. The aspartic acid at codon 241 is replaced by histidine, an amino acid with similar properties. This amino acid position is conserved. In addition, this alteration is predicted to be tolerated by in silico analysis. Since supporting evidence is limited at this time, the clinical significance of this alteration remains unclear.

NM_000075.4(CDK4):c.721G>C (p.Asp241His)

Genes: TSPAN31 (tetraspanin 31; plus strand), CDK4 (cyclin dependent kinase 4; minus strand). Cytogenetic location: 12q14.1.
Variant type: single nucleotide variant.
Coding change: c.721G>C on transcript NM_000075.4 (MANE Select); coding-DNA position 721, G replaced by C.
Protein change: p.Asp241His; replaces aspartic acid 241 with histidine.
Molecular consequence: missense variant. On other transcripts: 3 prime UTR variant (3).
Genome position (GRCh38, 1-based): chr12:57,749,280, C>G on the plus strand (G>C on the coding strand, the complement: CDK4 is on the minus strand). VCF-style: chr12-57749280-C-G. GRCh37 (hg19) VCF-style: chr12-58143063-C-G.
Other names: c.*1990C>G (NM_001330168.2, NM_001330169.2, NM_005981.5); short protein forms D241H.
Identifiers: ClinVar variation 845930 (VCV000845930.11), dbSNP rs755502728, ClinGen allele CA385543501.
Genomic context (GRCh38, chr12:57,749,280, plus strand): 5'-CCACCGACTGCACTGGGCGGGGCCCTCTGGGGGGAAAGGCTCCACGGGGCAGGGATACAT[C>G]TCGAGGCCAGTCATCCTCTGGAGGCAGCCCAATCAGGCTGTGGGGGACAGGAGAACTCTG-3'
Protein context (NP_000066.1, residues 231-251): GLPPEDDWPR[Asp241His]VSLPRGAFPP